The following is an entry in ClinVar:

ClinVar aggregate classification (germline): Pathogenic (1 of 4 stars; one submission).

Submission:

ISCA Site 6
Classification: Pathogenic. Last evaluated: 2011-08-12. Review status: criteria provided, single submitter. Criteria: Kaminsky et al. (Genet Med. 2011). Collection method: clinical testing. Allele origin: de novo. Affected: yes. Observed: 1 variant allele.
Comment: Copy number variation identified through the course of routine clinical cytogenomic testing in postnatal populations. Clinical assertions have been curated as described in Kaminsky et al. 2011.

GRCh38/hg38 15q11.2-13.1(chr15:23319714-28681287)x3

Genes: SNORD115-24 (small nucleolar RNA, C/D box 115-24; plus strand), SNORD115-25 (small nucleolar RNA, C/D box 115-25; plus strand), SNORD115-26 (small nucleolar RNA, C/D box 115-26; plus strand), SNORD115-27 (small nucleolar RNA, C/D box 115-27; plus strand), SNORD115-28 (small nucleolar RNA, C/D box 115-28; plus strand) and 147 more. Cytogenetic location: 15q11.2-13.1.
Variant type: copy number gain.
Change: copy number 3 (three copies instead of two) of chr15:23,319,714-28,681,287 (5.36 Mb, GRCh38 coordinates, 1-based), cytogenetic band 15q11.2-13.1.
Identifiers: ClinVar variation 58070 (VCV000058070.2).